The following is an entry in ClinVar:

NM_020975.6(RET):c.3201G>A (p.Pro1067=)

Gene: RET (ret proto-oncogene; plus strand). Cytogenetic location: 10q11.21.
Variant type: single nucleotide variant.
Coding change: c.3201G>A on transcript NM_020975.6 (MANE Select); coding-DNA position 3201, G replaced by A.
Protein change: p.Pro1067=; no amino-acid change (proline 1067 retained).
Molecular consequence: synonymous variant.
Genome position (GRCh38, 1-based): chr10:43,128,125, G>A. VCF-style: chr10-43128125-G-A. GRCh37 (hg19) VCF-style: chr10-43623573-G-A.
Other names: c.3201G>A (LRG_518t1).
Identifiers: ClinVar variation 241359 (VCV000241359.12), dbSNP rs878855062, ClinGen allele CA10582726.
Genomic context (GRCh38, chr10:43,128,125, plus strand): 5'-AGTTTTGGTTCTTCAGTGCAGAACAAATGATCTGTTTTCATTTTTAGGCATGTCAGACCC[G>A]AACTGGCCTGGAGAGAGTCCTGTACCACTCACGAGAGCTGATGGCACTAACACTGGGTTT-3'
Protein context (NP_066124.1, residues 1057-1077): IENKLYGMSD[Pro1067=]NWPGESPVPL

ClinVar aggregate classification (germline): Conflicting classifications of pathogenicity. Review status: criteria provided, conflicting classifications (1 of 4 stars). 3 submissions from 3 submitters: Uncertain significance (1); Likely benign (2). Last evaluated 2025-12-24.

Conditions:
Multiple endocrine neoplasia, type 2 (MEN2). Identifiers: Orphanet 653, MedGen C4048306, MONDO:0019003. Disease mechanism: gain of function.
Hereditary cancer-predisposing syndrome. Also called: Tumor predisposition; Neoplastic Syndromes, Hereditary; Hereditary Cancer Syndrome; Hereditary neoplastic syndrome. Identifiers: Orphanet 140162, MedGen C0027672, MeSH D009386, MONDO:0015356.

Allele frequency attached by ClinVar (database versions not stated): TOPMed 0.00001.
gnomAD v4.1: 5 of 1,614,154 alleles (0.00031%); highest among the groups gnomAD compares: Non-Finnish European, 0.00042%; no homozygotes.

Submissions (3):

Labcorp Genetics (formerly Invitae), Labcorp
Classification: Likely benign for Multiple endocrine neoplasia, type 2. Last evaluated: 2025-12-24. Review status: criteria provided, single submitter. Criteria: Invitae Variant Classification Sherloc (09022015). Collection method: clinical testing. Allele origin: germline.

Color Diagnostics, LLC DBA Color Health
Classification: Uncertain significance for Multiple endocrine neoplasia, type 2. Last evaluated: 2025-06-29. Review status: criteria provided, single submitter. Criteria: ACMG Guidelines, 2015. Collection method: clinical testing. Allele origin: germline.
Comment: This variant is located in the RET protein. To our knowledge, functional studies have not been reported for this variant. This variant has not been reported in individuals affected with RET-related disorders in the literature. This variant has not been identified in the general population by the Genome Aggregation Database (gnomAD). The available evidence is insufficient to determine the role of this variant in disease conclusively. Therefore, this variant is classified as a Variant of Uncertain Significance.

Ambry Genetics
Classification: Likely benign for Hereditary cancer-predisposing syndrome. Last evaluated: 2021-02-26. Review status: criteria provided, single submitter. Criteria: Ambry Variant Classification Scheme 2023. Collection method: clinical testing. Allele origin: germline.